The following is an entry in ClinVar:

NM_001142800.2(EYS):c.8573T>G (p.Leu2858Ter)

Genes: EYS (EGF-like photoreceptor maintenance factor; minus strand), PHF3 (PHD finger protein 3; plus strand). Cytogenetic location: 6q12.
Variant type: single nucleotide variant.
Coding change: c.8573T>G on transcript NM_001142800.2 (MANE Select); coding-DNA position 8573, T replaced by G.
Protein change: p.Leu2858Ter; replaces leucine 2858 with a stop codon.
Molecular consequence: nonsense. On other transcripts: 3 prime UTR variant (5).
Genome position (GRCh38, 1-based): chr6:63,721,458, A>C on the plus strand (T>G on the coding strand, the complement: EYS is on the minus strand). VCF-style: chr6-63721458-A-C. GRCh37 (hg19) VCF-style: chr6-64431354-A-C.
Other names: c.*7750A>C (NM_001290259.2, NM_001370348.2, NM_001370349.2 and 2 more transcripts); c.8636T>G, p.Leu2879Ter (NM_001292009.2); c.8573T>G (NM_001142800.1); short protein forms L2858*, L2879*.
Identifiers: ClinVar variation 3726196 (VCV003726196.3).
Genomic context (GRCh38, chr6:63,721,458, plus strand): 5'-GCTGTCCCATCACAGTCACCTACATTTGAGCCACCTTTTGCTCCAAATTCAGTTAATTGT[A>C]ATTCTTGATTATTTATGATAACTTGTCGGATACAGCCTTGAAAACCTACAGGTTCATTTT-3'

ClinVar aggregate classification (germline): Pathogenic/Likely pathogenic. Review status: criteria provided, multiple submitters, no conflicts (2 of 4 stars). 2 submissions from 2 submitters: Pathogenic (1); Likely pathogenic (1). Last evaluated 2025-12-16.

Conditions:
EYS-related disorder. Also called: EYS-related condition.

Submissions (2):

PreventionGenetics, part of Exact Sciences
Classification: Likely pathogenic for EYS-related condition. Last evaluated: 2025-12-16. Review status: criteria provided, single submitter. Criteria: ACMG Guidelines, 2015. Collection method: clinical testing. Allele origin: germline.
Comment: The EYS c.8573T>G variant is predicted to result in premature protein termination (p.Leu2858*). To our knowledge, this variant has not been reported in the literature. This variant is absent in a large population database (gnomAD), indicating this variant is rare. This variant is located in the terminal exon of the gene and therefore the transcript is not expected to undergo nonsense mediated decay; however, other early termination variants nearby and downstream have been documented as causative (See, for example, Pierrache et al. 2019. PubMed ID: 31074760; Audo et al. 2010. PubMed ID: 20333770; Moon et al. 2022. PubMed ID: 35052368). This variant is interpreted as likely pathogenic.

Labcorp Genetics (formerly Invitae), Labcorp
Classification: Pathogenic. Last evaluated: 2024-11-27. Review status: criteria provided, single submitter. Criteria: Invitae Variant Classification Sherloc (09022015). Collection method: clinical testing. Allele origin: germline.
Comment: This sequence change creates a premature translational stop signal (p.Leu2858*) in the EYS gene. While this is not anticipated to result in nonsense mediated decay, it is expected to disrupt the last 287 amino acid(s) of the EYS protein. This variant is not present in population databases (gnomAD no frequency). This variant has not been reported in the literature in individuals affected with EYS-related conditions. This variant disrupts a region of the EYS protein in which other variant(s) (p.Tyr3135*) have been determined to be pathogenic (PMID: 18976725, 29159838, 30337596, 31074760). This suggests that this is a clinically significant region of the protein, and that variants that disrupt it are likely to be disease-causing. For these reasons, this variant has been classified as Pathogenic.

Literature cited by the submitters: PubMed 18976725 (cited by Labcorp Genetics (formerly Invitae), Labcorp); PubMed 29159838 (cited by Labcorp Genetics (formerly Invitae), Labcorp); PubMed 30337596 (cited by Labcorp Genetics (formerly Invitae), Labcorp); PubMed 31074760 (cited by Labcorp Genetics (formerly Invitae), Labcorp).